The following is an entry in ClinVar:

ClinVar aggregate classification (germline): Uncertain significance (1 of 4 stars; one submission).

Submission:

Labcorp Genetics (formerly Invitae), Labcorp
Classification: Uncertain significance. Last evaluated: 2025-03-09. Review status: criteria provided, single submitter. Criteria: Invitae Variant Classification Sherloc (09022015). Collection method: clinical testing. Allele origin: germline.
Comment: This sequence change replaces alanine, which is neutral and non-polar, with threonine, which is neutral and polar, at codon 369 of the PPP1R12A protein (p.Ala369Thr). This variant is not present in population databases (gnomAD no frequency). This variant has not been reported in the literature in individuals affected with PPP1R12A-related conditions. ClinVar contains an entry for this variant (Variation ID: 2776683). An algorithm developed to predict the effect of missense changes on protein structure and function (PolyPhen-2) suggests that this variant is likely to be disruptive. In summary, the available evidence is currently insufficient to determine the role of this variant in disease. Therefore, it has been classified as a Variant of Uncertain Significance.

NM_002480.3(PPP1R12A):c.1105G>A (p.Ala369Thr)

Gene: PPP1R12A (protein phosphatase 1 regulatory subunit 12A; minus strand). Cytogenetic location: 12q21.2.
Variant type: single nucleotide variant.
Coding change: c.1105G>A on transcript NM_002480.3 (MANE Select); coding-DNA position 1105, G replaced by A.
Protein change: p.Ala369Thr; replaces alanine 369 with threonine.
Molecular consequence: missense variant.
Genome position (GRCh38, 1-based): chr12:79,820,783, C>T on the plus strand (G>A on the coding strand, the complement: PPP1R12A is on the minus strand). VCF-style: chr12-79820783-C-T. GRCh37 (hg19) VCF-style: chr12-80214563-C-T.
Other names: c.1105G>A, p.Ala369Thr (NM_001143885.2, NM_001244990.2, NM_001244992.1); c.844G>A, p.Ala282Thr (NM_001143886.2); short protein forms A282T, A369T.
Identifiers: ClinVar variation 2776683 (VCV002776683.3), dbSNP rs2547934043, ClinGen allele CA385850816.